The following is an entry in ClinVar:

ClinVar aggregate classification (germline): Uncertain significance. Review status: criteria provided, multiple submitters, no conflicts (2 of 4 stars). 5 submissions from 5 submitters: Uncertain significance (5). Last evaluated 2024-11-24.

Conditions:
Inborn genetic diseases. Identifiers: MedGen C0950123, MeSH D030342.

Allele frequency attached by ClinVar (database versions not stated): gnomAD 0.00004; ESP Exome Variant Server 0.00008.
gnomAD v4.1: 65 of 1,613,012 alleles (0.004%); highest among the groups gnomAD compares: Non-Finnish European, 0.0053%; no homozygotes.

Submissions (5):

Ambry Genetics
Classification: Uncertain significance for Inborn genetic diseases. Last evaluated: 2024-11-24. Review status: criteria provided, single submitter. Criteria: Ambry Variant Classification Scheme 2023. Collection method: clinical testing. Allele origin: germline.

Labcorp Genetics (formerly Invitae), Labcorp
Classification: Uncertain significance. Last evaluated: 2024-10-25. Review status: criteria provided, single submitter. Criteria: Invitae Variant Classification Sherloc (09022015). Collection method: clinical testing. Allele origin: germline.
Comment: This sequence change replaces glutamic acid, which is acidic and polar, with lysine, which is basic and polar, at codon 1208 of the MYH14 protein (p.Glu1208Lys). This variant is present in population databases (rs373336821, gnomAD 0.005%). This variant has not been reported in the literature in individuals affected with MYH14-related conditions. ClinVar contains an entry for this variant (Variation ID: 1162847). Invitae Evidence Modeling of protein sequence and biophysical properties (such as structural, functional, and spatial information, amino acid conservation, physicochemical variation, residue mobility, and thermodynamic stability) indicates that this missense variant is not expected to disrupt MYH14 protein function with a negative predictive value of 80%. In summary, the available evidence is currently insufficient to determine the role of this variant in disease. Therefore, it has been classified as a Variant of Uncertain Significance.

Blueprint Genetics
Classification: Uncertain significance. Last evaluated: 2024-02-16. Review status: criteria provided, single submitter. Criteria: ACMG Guidelines, 2015. Collection method: clinical testing. Allele origin: germline.

GeneDx
Classification: Uncertain significance. Last evaluated: 2023-02-24. Review status: criteria provided, single submitter. Criteria: GeneDx Variant Classification Process June 2021. Collection method: clinical testing. Allele origin: germline. Affected: yes.
Comment: In silico analysis supports that this missense variant has a deleterious effect on protein structure/function; Has not been previously published as pathogenic or benign to our knowledge

Mayo Clinic Laboratories, Mayo Clinic
Classification: Uncertain significance. Last evaluated: 2021-01-05. Review status: criteria provided, single submitter. Criteria: ACMG Guidelines, 2015. Collection method: clinical testing. Allele origin: germline. Observed: 1 variant allele.

NM_001145809.2(MYH14):c.3745G>A (p.Glu1249Lys)

Gene: MYH14 (myosin heavy chain 14; plus strand). Cytogenetic location: 19q13.33.
Variant type: single nucleotide variant.
Coding change: c.3745G>A on transcript NM_001145809.2 (MANE Select); coding-DNA position 3745, G replaced by A.
Protein change: p.Glu1249Lys; replaces glutamic acid 1249 with lysine.
Molecular consequence: missense variant.
Genome position (GRCh38, 1-based): chr19:50,276,821, G>A. VCF-style: chr19-50276821-G-A. GRCh37 (hg19) VCF-style: chr19-50780078-G-A.
Other names: c.3646G>A, p.Glu1216Lys (NM_001077186.2); c.3622G>A, p.Glu1208Lys (NM_024729.4); short protein forms E1208K, E1216K, E1249K.
Identifiers: ClinVar variation 1162847 (VCV001162847.12), dbSNP rs373336821, ClinGen allele CA9593303.